The following is an entry in ClinVar:

ClinVar aggregate classification (germline): Benign. Review status: criteria provided, multiple submitters, no conflicts (2 of 4 stars). 6 submissions from 6 submitters: Benign (5). 1 of the submissions does not count toward it. Last evaluated 2026-02-03.

Conditions:
Cerebellar dysfunction with variable cognitive and behavioral abnormalities (CECBA). Also called: Nonprogressive cerebellar atxia with intellectual disability. Identifiers: Orphanet 314647, MedGen C3553661, MONDO:0013886, OMIM 614756.

Allele frequency attached by ClinVar (database versions not stated): 1000 Genomes Project 30x 0.09947; ExAC 0.11667; gnomAD exomes 0.12044 and 0.13118; ESP Exome Variant Server 0.09957; gnomAD 0.10038 and 0.09746; 1000 Genomes Project 0.10044; TOPMed 0.10022.
gnomAD v4.1: 206,925 of 1,614,118 alleles (13%); highest among the groups gnomAD compares: Admixed American, 16%; 14,064 homozygotes.

Submissions (6):

Labcorp Genetics (formerly Invitae), Labcorp
Classification: Benign. Last evaluated: 2026-02-03. Review status: criteria provided, single submitter. Criteria: Invitae Variant Classification Sherloc (09022015). Collection method: clinical testing. Allele origin: germline.

Genome-Nilou Lab
Classification: Benign for Cerebellar dysfunction with variable cognitive and behavioral abnormalities. Last evaluated: 2023-04-11. Review status: criteria provided, single submitter. Criteria: ACMG Guidelines, 2015. Collection method: clinical testing. Allele origin: germline. Affected: no.

Mayo Clinic Laboratories, Mayo Clinic
Classification: Benign. Last evaluated: 2022-03-24. Review status: criteria provided, single submitter. Criteria: ACMG Guidelines, 2015. Collection method: clinical testing. Allele origin: germline. Observed: 119 variant alleles.

GeneDx
Classification: Benign. Last evaluated: 2018-07-26. Review status: criteria provided, single submitter. Criteria: GeneDx Variant Classification Process June 2021. Collection method: clinical testing. Allele origin: germline. Affected: yes.

Breakthrough Genomics
Classification: Benign. Review status: criteria provided, single submitter. Criteria: ACMG Guidelines, 2015. Collection method: not provided. Allele origin: germline. Inheritance: Autosomal dominant inheritance. Affected: yes.

Genetic Services Laboratory, University of Chicago
Classification: Likely benign for AllHighlyPenetrant. Review status: no assertion criteria provided. Collection method: clinical testing. Allele origin: germline. Inheritance: Autosomal dominant inheritance. Not counted in ClinVar's aggregate classification.
Comment: Likely benign based on allele frequency in 1000 Genomes Project or ESP global frequency and its presence in a patient with a rare or unrelated disease phenotype. NOT Sanger confirmed.

NM_015215.4(CAMTA1):c.3531C>G (p.Asn1177Lys)

Gene: CAMTA1 (calmodulin binding transcription activator 1; plus strand). Cytogenetic location: 1p36.23.
Variant type: single nucleotide variant.
Coding change: c.3531C>G on transcript NM_015215.4 (MANE Select); coding-DNA position 3531, C replaced by G.
Protein change: p.Asn1177Lys; replaces asparagine 1177 with lysine.
Molecular consequence: missense variant.
Genome position (GRCh38, 1-based): chr1:7,737,443, C>G. VCF-style: chr1-7737443-C-G. GRCh37 (hg19) VCF-style: chr1-7797503-C-G.
Other names: c.3441C>G, p.Asn1147Lys (NM_001349608.2, NM_001349612.2); c.3531C>G, p.Asn1177Lys (NM_001349609.2, NM_001349610.2); c.660C>G, p.Asn220Lys (NM_001349613.1); c.603C>G, p.Asn201Lys (NM_001349614.1, NM_001349615.2, NM_001349616.2 and 10 more transcripts); short protein forms N1177K, N220K, N1147K, N201K.
Identifiers: ClinVar variation 128565 (VCV000128565.15), dbSNP rs41278952, ClinGen allele CA152134.
Genomic context (GRCh38, chr1:7,737,443, plus strand): 5'-GAAATTAGCAGAGTGTCTGGAGCACCTGCAGAGAGATGAGCAGGCTCAGCTGGGACAGAA[C>G]CCCAGAATCCACTGTCCTGCAAGCGAAGAGCCCAGCACAGAGAGCTGGATGGCCCAGTGG-3'
Protein context (NP_056030.1, residues 1167-1187): QRDEQAQLGQ[Asn1177Lys]PRIHCPASEE